The following is an entry in ClinVar:

ClinVar aggregate classification (germline): Likely benign (0 of 4 stars; one submission).

Conditions:
VPS13B-related disorder. Also called: VPS13B-related condition.

Allele frequency attached by ClinVar (database versions not stated): gnomAD 0.00011; TOPMed 0.00012.

Submission:

PreventionGenetics, part of Exact Sciences
Classification: Likely benign for VPS13B-related condition. Last evaluated: 2021-08-03. Review status: no assertion criteria provided. Collection method: clinical testing. Allele origin: germline.
Comment: This variant is classified as likely benign based on ACMG/AMP sequence variant interpretation guidelines (Richards et al. 2015 PMID: 25741868, with internal and published modifications).

NC_000008.11:g.100471152C>T

Gene: VPS13B (vacuolar protein sorting 13 homolog B; plus strand). Cytogenetic location: 8q22.2.
Variant type: single nucleotide variant.
Genome position: GRCh38 VCF-style: chr8-100471152-C-T. GRCh37 (hg19) VCF-style: chr8-101483380-C-T.
Identifiers: ClinVar variation 3030998 (VCV003030998.2), dbSNP rs934582701, ClinGen allele CA182384997.
Genomic context (GRCh38, chr8:100,471,152, plus strand): 5'-AAGCTCTCTTTTTGCCTGCTGCCATCCACGTAAGATGTGACTTGCTCCTCTTTGCCCTTC[C>T]GCCATGATTGTGAGGCTTCCCCAGCCACACAGAACTGTGAGTCTTTCCTTTGTAAATTGC-3'